The following is an entry in ClinVar:

ClinVar aggregate classification (germline): Uncertain significance (1 of 4 stars; one submission).

Submission:

GeneDx
Classification: Uncertain significance. Last evaluated: 2024-05-26. Review status: criteria provided, single submitter. Criteria: GeneDx Variant Classification Process June 2021. Collection method: clinical testing. Allele origin: germline. Affected: yes.
Comment: Not observed at significant frequency in large population cohorts (gnomAD); In silico analysis supports that this missense variant has a deleterious effect on protein structure/function; Has not been previously published as pathogenic or benign to our knowledge

NM_014714.4(IFT140):c.4087C>T (p.Leu1363Phe)

Gene: IFT140 (intraflagellar transport 140; minus strand). Cytogenetic location: 16p13.3.
Variant type: single nucleotide variant.
Coding change: c.4087C>T on transcript NM_014714.4 (MANE Select); coding-DNA position 4087, C replaced by T.
Protein change: p.Leu1363Phe; replaces leucine 1363 with phenylalanine.
Molecular consequence: missense variant.
Genome position (GRCh38, 1-based): chr16:1,518,311, G>A on the plus strand (C>T on the coding strand, the complement: IFT140 is on the minus strand). VCF-style: chr16-1518311-G-A. GRCh37 (hg19) VCF-style: chr16-1568312-G-A.
Other names: short protein forms L1363F.
Identifiers: ClinVar variation 3383581 (VCV003383581.1).